The following is an entry in ClinVar:

ClinVar aggregate classification (germline): Uncertain significance (1 of 4 stars; one submission).

Submission:

Labcorp Genetics (formerly Invitae), Labcorp
Classification: Uncertain significance. Last evaluated: 2022-08-22. Review status: criteria provided, single submitter. Criteria: Invitae Variant Classification Sherloc (09022015). Collection method: clinical testing. Allele origin: germline.
Comment: This sequence change replaces proline, which is neutral and non-polar, with serine, which is neutral and polar, at codon 950 of the ZNF335 protein (p.Pro950Ser). This variant is not present in population databases (gnomAD no frequency). This variant has not been reported in the literature in individuals affected with ZNF335-related conditions. Algorithms developed to predict the effect of missense changes on protein structure and function output the following: SIFT: "Tolerated"; PolyPhen-2: "Benign"; Align-GVGD: "Class C0". The serine amino acid residue is found in multiple mammalian species, which suggests that this missense change does not adversely affect protein function. In summary, the available evidence is currently insufficient to determine the role of this variant in disease. Therefore, it has been classified as a Variant of Uncertain Significance.

NM_022095.4(ZNF335):c.2848C>T (p.Pro950Ser)

Gene: ZNF335 (zinc finger protein 335; minus strand). Cytogenetic location: 20q13.12.
Variant type: single nucleotide variant.
Coding change: c.2848C>T on transcript NM_022095.4 (MANE Select); coding-DNA position 2848, C replaced by T.
Protein change: p.Pro950Ser; replaces proline 950 with serine.
Molecular consequence: missense variant.
Genome position (GRCh38, 1-based): chr20:45,952,488, G>A on the plus strand (C>T on the coding strand, the complement: ZNF335 is on the minus strand). VCF-style: chr20-45952488-G-A. GRCh37 (hg19) VCF-style: chr20-44581127-G-A.
Other names: short protein forms P950S.
Identifiers: ClinVar variation 1717720 (VCV001717720.3), dbSNP rs2515530639, ClinGen allele CA409238397.